The following is an entry in ClinVar:

NM_014795.4(ZEB2):c.1387del (p.Val463fs)

Gene: ZEB2 (zinc finger E-box binding homeobox 2; minus strand). Cytogenetic location: 2q22.3.
Variant type: Deletion.
Coding change: c.1387del on transcript NM_014795.4 (MANE Select); coding-DNA position 1387, one base deleted (G; older notation c.1387delG).
Protein change: p.Val463fs; shifts the reading frame from valine 463.
Molecular consequence: frameshift variant.
Genome position (GRCh38, 1-based): chr2:144,399,800, C deleted on the plus strand (G on the coding strand, the reverse complement: ZEB2 is on the minus strand); the first of 2 consecutive C bases (chr2:144,399,800-144,399,801); deleting either gives the same sequence. VCF-style (leftmost placement, unchanged base first): chr2-144399799-AC-A. GRCh37 (hg19) VCF-style: chr2-145157366-AC-A.
Other names: c.1315del, p.Val439fs (NM_001171653.2); short protein forms V439fs, V463fs.
Identifiers: ClinVar variation 692022 (VCV000692022.3), dbSNP rs1573717173, ClinGen allele CA429445991.

ClinVar aggregate classification (germline): Pathogenic. Review status: criteria provided, multiple submitters, no conflicts (2 of 4 stars). 2 submissions from 2 submitters: Pathogenic (2). Last evaluated 2018-04-16.

Conditions:
Mowat-Wilson syndrome (MOWS). Also called: Classic Mowat-Wilson Syndrome. Identifiers: Orphanet 2152, MedGen C1856113, MONDO:0009341, OMIM 235730.
Inborn genetic diseases. Identifiers: MedGen C0950123, MeSH D030342.

Submissions (2):

Rady Children's Institute for Genomic Medicine, Rady Children's Hospital San Diego
Classification: Pathogenic for MOWAT-WILSON SYNDROME. Last evaluated: 2018-04-16. Review status: criteria provided, single submitter. Criteria: ACMG Guidelines, 2015. Collection method: clinical testing. Allele origin: germline. Affected: yes. Observed: 1 variant allele.
Comment: This variant has not been previously reported in disease (HGMD) or population databases (gnomAD). Other missense and null variants in ZEB2 have been associated with Mowat-Wilson syndrome (MIM: 235730). This variant is a single nucleotide deletion, which results in a frameshift in the open-reading frame and a premature STOP codon. Based on the combined evidence, the c.1387delG p.Val463PhefsTer24 variant is classified as pathogenic.

Ambry Genetics
Classification: Pathogenic for Inborn genetic diseases. Last evaluated: 2017-12-18. Review status: criteria provided, single submitter. Criteria: Ambry Variant Classification Scheme 2023. Collection method: clinical testing. Allele origin: germline.
Comment: The c.1387delG pathogenic mutation, located in coding exon 7 of the ZEB2 gene, results from a deletion of one nucleotide at nucleotide position 1387, causing a translational frameshift with a predicted alternate stop codon (p.V463Ffs*24). This alteration is expected to result in loss of function by premature protein truncation or nonsense-mediated mRNA decay. As such, this alteration is interpreted as a disease-causing mutation.